The following is an entry in ClinVar:

NM_005120.3(MED12):c.227_228delinsGC (p.Ile76Ser)

Gene: MED12 (mediator complex subunit 12; plus strand). Cytogenetic location: Xq13.1.
Variant type: Indel.
Coding change: c.227_228delinsGC on transcript NM_005120.3 (MANE Select); coding-DNA positions 227 to 228, TT replaced by GC.
Protein change: p.Ile76Ser; replaces isoleucine 76 with serine.
Molecular consequence: missense variant.
Genome position (GRCh38, 1-based): chrX:71,119,708-71,119,709, TT replaced by GC. VCF-style: chrX-71119708-TT-GC. GRCh37 (hg19) VCF-style: chrX-70339558-TT-GC.
Other names: short protein forms I76S.
Identifiers: ClinVar variation 4730266 (VCV004730266.1).

ClinVar aggregate classification (germline): Uncertain significance (1 of 4 stars; one submission).

Conditions:
FG syndrome (FGS). Identifiers: MedGen C0220769, MONDO:0002010.

Submission:

Labcorp Genetics (formerly Invitae), Labcorp
Classification: Uncertain significance for FG syndrome. Last evaluated: 2025-10-31. Review status: criteria provided, single submitter. Criteria: Invitae Variant Classification Sherloc (09022015). Collection method: clinical testing. Allele origin: germline.
Comment: This sequence change replaces isoleucine, which is neutral and non-polar, with serine, which is neutral and polar, at codon 76 of the MED12 protein (p.Ile76Ser). Information on the frequency of this variant in the gnomAD database is not available, as this variant may be reported differently in the database. This variant has not been reported in the literature in individuals affected with MED12-related conditions. An algorithm developed to predict the effect of missense changes on protein structure and function (PolyPhen-2) suggests that this variant is likely to be tolerated. In summary, the available evidence is currently insufficient to determine the role of this variant in disease. Therefore, it has been classified as a Variant of Uncertain Significance.